The following is an entry in ClinVar:

ClinVar aggregate classification (germline): Uncertain significance. Review status: criteria provided, multiple submitters, no conflicts (2 of 4 stars). 2 submissions from 2 submitters: Uncertain significance (2). Last evaluated 2025-05-08.

Conditions:
Hereditary cancer-predisposing syndrome. Also called: Neoplastic Syndromes, Hereditary; Hereditary Cancer Syndrome; Hereditary neoplastic syndrome; Tumor predisposition. Identifiers: Orphanet 140162, MedGen C0027672, MeSH D009386, MONDO:0015356.
Neurofibromatosis, type 2 (SWNV). Also called: SCHWANNOMATOSIS, VESTIBULAR; BILATERAL ACOUSTIC NEUROFIBROMATOSIS; NF2-Related Schwannomatosis. Identifiers: Orphanet 637, MedGen C0027832, MONDO:0007039, OMIM 101000. Disease mechanism: loss of function.

Allele frequency attached by ClinVar (database versions not stated): gnomAD exomes below 0.00001; gnomAD 0.00001.
gnomAD v4.1: 2 of 1,612,658 alleles (0.00012%); highest among the groups gnomAD compares: Non-Finnish European, 0.00017%; no homozygotes.

Submissions (2):

Labcorp Genetics (formerly Invitae), Labcorp
Classification: Uncertain significance for Neurofibromatosis, type 2. Last evaluated: 2025-05-08. Review status: criteria provided, single submitter. Criteria: Invitae Variant Classification Sherloc (09022015). Collection method: clinical testing. Allele origin: germline.
Comment: This sequence change replaces methionine, which is neutral and non-polar, with leucine, which is neutral and non-polar, at codon 426 of the NF2 protein (p.Met426Leu). This variant is not present in population databases (gnomAD no frequency). This variant has not been reported in the literature in individuals affected with NF2-related conditions. ClinVar contains an entry for this variant (Variation ID: 1522072). Invitae Evidence Modeling of protein sequence and biophysical properties (such as structural, functional, and spatial information, amino acid conservation, physicochemical variation, residue mobility, and thermodynamic stability) indicates that this missense variant is not expected to disrupt NF2 protein function with a negative predictive value of 80%. In summary, the available evidence is currently insufficient to determine the role of this variant in disease. Therefore, it has been classified as a Variant of Uncertain Significance.

Ambry Genetics
Classification: Uncertain significance for Hereditary cancer-predisposing syndrome. Last evaluated: 2024-09-08. Review status: criteria provided, single submitter. Criteria: Ambry Variant Classification Scheme 2023. Collection method: clinical testing. Allele origin: germline.
Comment: The p.M426L variant (also known as c.1276A>T), located in coding exon 12 of the NF2 gene, results from an A to T substitution at nucleotide position 1276. The methionine at codon 426 is replaced by leucine, an amino acid with highly similar properties. This amino acid position is well conserved in available vertebrate species. In addition, this alteration is predicted to be tolerated by in silico analysis. Since supporting evidence is limited at this time, the clinical significance of this alteration remains unclear.

NM_000268.4(NF2):c.1276A>T (p.Met426Leu)

Gene: NF2 (NF2, moesin-ezrin-radixin like (MERLIN) tumor suppressor; plus strand). Cytogenetic location: 22q12.2.
Variant type: single nucleotide variant.
Coding change: c.1276A>T on transcript NM_000268.4 (MANE Select); coding-DNA position 1276, A replaced by T.
Protein change: p.Met426Leu; replaces methionine 426 with leucine.
Molecular consequence: missense variant. On other transcripts: non-coding transcript variant (1), intron variant (1).
Genome position (GRCh38, 1-based): chr22:29,673,422, A>T. VCF-style: chr22-29673422-A-T. GRCh37 (hg19) VCF-style: chr22-30069411-A-T.
Other names: c.1276A>T, p.Met426Leu (NM_016418.5, NM_181825.3, NM_181832.3); c.1150A>T, p.Met384Leu (NM_181828.3); c.1153A>T, p.Met385Leu (NM_181829.3); c.1027A>T, p.Met343Leu (NM_181830.3, NM_181831.3); c.448-21330A>T (NM_181833.3); short protein forms M343L, M384L, M426L, M385L.
Identifiers: ClinVar variation 1522072 (VCV001522072.11), dbSNP rs926406926, ClinGen allele CA411148413.